The following is an entry in ClinVar:

NM_001326411.2(PISD):c.523C>A (p.Pro175Thr)

Gene: PISD (phosphatidylserine decarboxylase; minus strand). Cytogenetic location: 22q12.2.
Variant type: single nucleotide variant.
Coding change: c.523C>A on transcript NM_001326411.2 (MANE Select); coding-DNA position 523, C replaced by A.
Protein change: p.Pro175Thr; replaces proline 175 with threonine.
Molecular consequence: missense variant.
Genome position (GRCh38, 1-based): chr22:31,621,684, G>T on the plus strand (C>A on the coding strand, the complement: PISD is on the minus strand). VCF-style: chr22-31621684-G-T. GRCh37 (hg19) VCF-style: chr22-32017670-G-T.
Other names: c.460C>A, p.Pro154Thr (NM_001326412.1, NM_001326413.2, NM_001326414.2); c.421C>A, p.Pro141Thr (NM_001326415.2, NM_001326416.2, NM_001326417.2 and 3 more transcripts); c.343C>A, p.Pro115Thr (NM_001326418.2, NM_001326420.2); c.523C>A, p.Pro175Thr (NM_001326421.1); c.523C>A (NM_001326411.1); short protein forms P154T, P115T, P141T, P175T.
Identifiers: ClinVar variation 1437578 (VCV001437578.9), dbSNP rs143716966, ClinGen allele CA10194784.
Genomic context (GRCh38, chr22:31,621,684, plus strand): 5'-GCAGGAGGAAAGGGTCAGGCCTCACCACGCTGTGCAGGCCACAGACAGGCCGGGCCTGCG[G>T]CTTCAGCTTGCGCCGGAAGAACTCGCTGAGGTTGCGGTAGTGATGCAGGTCCTCCACAGC-3'
Protein context (NP_001313340.1, residues 165-185): LSEFFRRKLK[Pro175Thr]QARPVCGLHS

ClinVar aggregate classification (germline): Uncertain significance. Review status: criteria provided, multiple submitters, no conflicts (2 of 4 stars). 3 submissions from 3 submitters: Uncertain significance (3). Last evaluated 2025-05-12.

Conditions:
PISD-related disorder. Also called: PISD-related condition.

Allele frequency attached by ClinVar (database versions not stated): ExAC 0.00004; gnomAD exomes 0.00007 and 0.00015; TOPMed 0.00011; gnomAD 0.00014 and 0.00015; ESP Exome Variant Server 0.00015.
gnomAD v4.1: 231 of 1,613,664 alleles (0.014%); highest among the groups gnomAD compares: Non-Finnish European, 0.018%; no homozygotes.

Submissions (3):

Labcorp Genetics (formerly Invitae), Labcorp
Classification: Uncertain significance. Last evaluated: 2025-05-12. Review status: criteria provided, single submitter. Criteria: Invitae Variant Classification Sherloc (09022015). Collection method: clinical testing. Allele origin: germline.
Comment: This sequence change replaces proline, which is neutral and non-polar, with threonine, which is neutral and polar, at codon 175 of the PISD protein (p.Pro175Thr). This variant is present in population databases (rs143716966, gnomAD 0.01%). This variant has not been reported in the literature in individuals affected with PISD-related conditions. ClinVar contains an entry for this variant (Variation ID: 1437578). Invitae Evidence Modeling of protein sequence and biophysical properties (such as structural, functional, and spatial information, amino acid conservation, physicochemical variation, residue mobility, and thermodynamic stability) indicates that this missense variant is not expected to disrupt PISD protein function with a negative predictive value of 80%. In summary, the available evidence is currently insufficient to determine the role of this variant in disease. Therefore, it has been classified as a Variant of Uncertain Significance.

PreventionGenetics, part of Exact Sciences
Classification: Uncertain significance for PISD-related condition. Last evaluated: 2024-11-29. Review status: criteria provided, single submitter. Criteria: ACMG Guidelines, 2015. Collection method: clinical testing. Allele origin: germline.
Comment: The PISD c.523C>A variant is predicted to result in the amino acid substitution p.Pro175Thr. To our knowledge, this variant has not been reported in the literature. This variant is reported in 0.014% of alleles in individuals of European (Non-Finnish) descent in gnomAD. At this time, the clinical significance of this variant is uncertain due to the absence of conclusive functional and genetic evidence.

Blueprint Genetics
Classification: Uncertain significance. Last evaluated: 2024-03-07. Review status: criteria provided, single submitter. Criteria: ACMG Guidelines, 2015. Collection method: clinical testing. Allele origin: germline.